The following is an entry in ClinVar:

NM_001330691.3(CEP78):c.649C>T (p.Arg217Cys)

Gene: CEP78 (centrosomal protein 78; plus strand). Cytogenetic location: 9q21.2.
Variant type: single nucleotide variant.
Coding change: c.649C>T on transcript NM_001330691.3 (MANE Select); coding-DNA position 649, C replaced by T.
Protein change: p.Arg217Cys; replaces arginine 217 with cysteine.
Molecular consequence: missense variant.
Genome position (GRCh38, 1-based): chr9:78,243,507, C>T. VCF-style: chr9-78243507-C-T. GRCh37 (hg19) VCF-style: chr9-80858423-C-T.
Other names: c.649C>T, p.Arg217Cys (NM_001098802.3, NM_001330693.3, NM_001330694.2 and 4 more transcripts); short protein forms R217C.
Identifiers: ClinVar variation 1926022 (VCV001926022.5), dbSNP rs961992753, ClinGen allele CA194769764.

ClinVar aggregate classification (germline): Uncertain significance (1 of 4 stars; one submission).

Allele frequency attached by ClinVar (database versions not stated): gnomAD exomes 0.00001; TOPMed 0.00001.
gnomAD v4.1: 10 of 1,613,672 alleles (0.00062%); highest among the groups gnomAD compares: Non-Finnish European, 0.00076%; no homozygotes.

Submission:

Labcorp Genetics (formerly Invitae), Labcorp
Classification: Uncertain significance. Last evaluated: 2022-07-16. Review status: criteria provided, single submitter. Criteria: Invitae Variant Classification Sherloc (09022015). Collection method: clinical testing. Allele origin: germline.
Comment: This sequence change replaces arginine, which is basic and polar, with cysteine, which is neutral and slightly polar, at codon 217 of the CEP78 protein (p.Arg217Cys). This variant is not present in population databases (gnomAD no frequency). This variant has not been reported in the literature in individuals affected with CEP78-related conditions. Algorithms developed to predict the effect of missense changes on protein structure and function are either unavailable or do not agree on the potential impact of this missense change (SIFT: "Deleterious"; PolyPhen-2: "Probably Damaging"; Align-GVGD: "Class C0"). In summary, the available evidence is currently insufficient to determine the role of this variant in disease. Therefore, it has been classified as a Variant of Uncertain Significance.